The following is an entry in ClinVar:

NM_001352754.2(ARMC9):c.2246A>G (p.Asn749Ser)

Genes: ARMC9 (armadillo repeat containing 9; plus strand), LOC122861306 (Sharpr-MPRA regulatory region 9410; plus strand). Cytogenetic location: 2q37.1.
Variant type: single nucleotide variant.
Coding change: c.2246A>G on transcript NM_001352754.2 (MANE Select); coding-DNA position 2246, A replaced by G.
Protein change: p.Asn749Ser; replaces asparagine 749 with serine.
Molecular consequence: missense variant.
Genome position (GRCh38, 1-based): chr2:231,360,868, A>G. VCF-style: chr2-231360868-A-G. GRCh37 (hg19) VCF-style: chr2-232225579-A-G.
Other names: c.2246A>G, p.Asn749Ser (NM_001271466.4); short protein forms N749S.
Identifiers: ClinVar variation 1953254 (VCV001953254.5), dbSNP rs1488863142, ClinGen allele CA350958252.

ClinVar aggregate classification (germline): Uncertain significance (1 of 4 stars; one submission).

Allele frequency attached by ClinVar (database versions not stated): gnomAD exomes below 0.00001.
gnomAD v4.1: 3 of 1,533,298 alleles (0.0002%); highest among the groups gnomAD compares: South Asian, 0.0012%; no homozygotes.

Submission:

Labcorp Genetics (formerly Invitae), Labcorp
Classification: Uncertain significance. Last evaluated: 2025-02-17. Review status: criteria provided, single submitter. Criteria: Invitae Variant Classification Sherloc (09022015). Collection method: clinical testing. Allele origin: germline.
Comment: This sequence change replaces asparagine, which is neutral and polar, with serine, which is neutral and polar, at codon 749 of the ARMC9 protein (p.Asn749Ser). This variant is present in population databases (no rsID available, gnomAD 0.005%). This variant has not been reported in the literature in individuals affected with ARMC9-related conditions. ClinVar contains an entry for this variant (Variation ID: 1953254). Experimental studies and prediction algorithms are not available or were not evaluated, and the functional significance of this variant is currently unknown. In summary, the available evidence is currently insufficient to determine the role of this variant in disease. Therefore, it has been classified as a Variant of Uncertain Significance.